The following is an entry in ClinVar:

NM_000083.3(CLCN1):c.2467C>T (p.Gln823Ter)

Gene: CLCN1 (chloride voltage-gated channel 1; plus strand). Cytogenetic location: 7q34.
Variant type: single nucleotide variant.
Coding change: c.2467C>T on transcript NM_000083.3 (MANE Select); coding-DNA position 2467, C replaced by T.
Protein change: p.Gln823Ter; replaces glutamine 823 with a stop codon.
Molecular consequence: nonsense. On other transcripts: non-coding transcript variant (1).
Genome position (GRCh38, 1-based): chr7:143,350,435, C>T. VCF-style: chr7-143350435-C-T. GRCh37 (hg19) VCF-style: chr7-143047528-C-T.
Other names: short protein forms Q823*.
Identifiers: ClinVar variation 2932336 (VCV002932336.3), dbSNP rs2485444292, ClinGen allele CA369652607.

ClinVar aggregate classification (germline): Pathogenic (1 of 4 stars; one submission).

Conditions:
Congenital myotonia, autosomal dominant form (THD). Also called: THOMSEN DISEASE; Myotonia congenita autosomal dominant. Identifiers: Orphanet 614, MedGen C2936781, MONDO:0008055, OMIM 160800.
Congenital myotonia, autosomal recessive form. Also called: BECKER DISEASE; Becker Generalized Myotonia; myotonia congenita, autosomal recessive. Identifiers: Orphanet 614, MedGen C0751360, MONDO:0009715, OMIM 255700.

Submission:

Labcorp Genetics (formerly Invitae), Labcorp
Classification: Pathogenic for Congenital myotonia, autosomal recessive form; Congenital myotonia, autosomal dominant form. Last evaluated: 2023-06-05. Review status: criteria provided, single submitter. Criteria: Invitae Variant Classification Sherloc (09022015). Collection method: clinical testing. Allele origin: germline.
Comment: For these reasons, this variant has been classified as Pathogenic. This variant has not been reported in the literature in individuals affected with CLCN1-related conditions. This variant is not present in population databases (gnomAD no frequency). This sequence change creates a premature translational stop signal (p.Gln823*) in the CLCN1 gene. It is expected to result in an absent or disrupted protein product. Loss-of-function variants in CLCN1 are known to be pathogenic (PMID: 17932099, 22094069, 23739125).

Literature cited by the submitters: PubMed 17932099; PubMed 22094069; PubMed 23739125.